The following is an entry in ClinVar:

NM_031263.4(HNRNPK):c.214-4G>A

Genes: HNRNPK (heterogeneous nuclear ribonucleoprotein K; minus strand), HNRNPK-AS1 (HNRNPK antisense RNA 1; plus strand). Cytogenetic location: 9q21.32.
Variant type: single nucleotide variant.
Coding change: c.214-4G>A on transcript NM_031263.4 (MANE Select); 4 bases into the intron before coding-DNA position 214, G replaced by A.
Molecular consequence: intron variant.
Genome position (GRCh38, 1-based): chr9:83,975,509, C>T on the plus strand (G>A on the coding strand, the complement: HNRNPK is on the minus strand). VCF-style: chr9-83975509-C-T. GRCh37 (hg19) VCF-style: chr9-86590424-C-T.
Other names: c.214-4G>A (NM_031262.4, NM_002140.5, NM_001318186.2 and 2 more transcripts).
Identifiers: ClinVar variation 2499236 (VCV002499236.1), dbSNP rs2492005400, ClinGen allele CA465715875.

ClinVar aggregate classification (germline): Uncertain significance (1 of 4 stars; one submission).

Submission:

GeneDx
Classification: Uncertain significance. Last evaluated: 2022-10-11. Review status: criteria provided, single submitter. Criteria: GeneDx Variant Classification Process June 2021. Collection method: clinical testing. Allele origin: germline. Affected: yes.
Comment: Not observed at significant frequency in large population cohorts (gnomAD); In silico analysis supports that this variant does not alter splicing; Has not been previously published as pathogenic or benign to our knowledge